The following is an entry in ClinVar:

NM_000153.4(GALC):c.371_372insCATTGCAAACT (p.Tyr125fs)

Gene: GALC (galactosylceramidase; minus strand). Cytogenetic location: 14q31.3.
Variant type: Insertion.
Coding change: c.371_372insCATTGCAAACT on transcript NM_000153.4 (MANE Select); coding-DNA positions 371 to 372, CATTGCAAACT inserted.
Protein change: p.Tyr125fs; shifts the reading frame from tyrosine 125.
Molecular consequence: frameshift variant.
Genome position: GRCh38 VCF-style: chr14-87986559-A-AAGTTTGCAATG. GRCh37 (hg19) VCF-style: chr14-88452903-A-AAGTTTGCAATG.
Other names: c.302_303insCATTGCAAACT, p.Tyr102fs (NM_001201401.2); c.293_294insCATTGCAAACT, p.Tyr99fs (NM_001201402.2); short protein forms Y102fs, Y125fs, Y99fs.
Identifiers: ClinVar variation 1726261 (VCV001726261.2), dbSNP rs2503519260, ClinGen allele CA2580088880.

ClinVar aggregate classification (germline): Likely pathogenic (1 of 4 stars; one submission).

Conditions:
Galactosylceramide beta-galactosidase deficiency. Also called: GALACTOCEREBROSIDASE DEFICIENCY; GALC DEFICIENCY; GLOBOID CELL LEUKOENCEPHALOPATHY; Leukodystrophy, Globoid Cell; Krabbe Disease. Identifiers: Orphanet 487, MedGen C0023521, MONDO:0009499, OMIM 245200.

Submission:

Myriad Genetics, Inc.
Classification: Likely pathogenic for Galactosylceramide beta-galactosidase deficiency. Last evaluated: 2021-12-09. Review status: criteria provided, single submitter. Criteria: Myriad Women's Health Autosomal Recessive and X-Linked Classification Criteria (2021). Collection method: clinical testing. Allele origin: unknown.
Comment: NM_000153.3(GALC):c.371_372ins11(Y125Ifs*13) is expected to be pathogenic in the context of Krabbe disease. This variant is predicted to lead to an abnormal or absent protein product due to the creation of a premature termination codon in GALC, a gene where loss-of-function variants are known to be pathogenic. Please note: this variant was assessed in the context of healthy population screening.